The following is an entry in ClinVar:

ClinVar aggregate classification (germline): Pathogenic/Likely pathogenic. Review status: criteria provided, multiple submitters, no conflicts (2 of 4 stars). 36 submissions from 33 submitters: Pathogenic (19); Likely pathogenic (11). 6 of the submissions do not count toward it. Last evaluated 2026-08-13.

Conditions:
Monogenic hearing loss.
Usher syndrome. Also called: Usher Syndromes; Usher's syndrome. Identifiers: Orphanet 886, MedGen CN469326, MeSH D052245, MONDO:0019501. Disease mechanism: loss of function.
USH2A-related disorder. Also called: USH2A-related condition; USH2A-related disorders. Identifiers: MedGen CN239332.
Retinal dystrophy. Also called: Inherited retinal dystrophy. Identifiers: Orphanet 71862, MedGen C0854723, MeSH D058499, MONDO:0019118, HP:0000556.
Retinitis pigmentosa 39 (RP39). Identifiers: Orphanet 791, MedGen C3151138, MONDO:0013436, OMIM 613809.
Usher syndrome type 2A. Also called: RETINAL DISEASE IN USHER SYNDROME TYPE IIA, MODIFIER OF; USHER SYNDROME, TYPE IIA. Identifiers: Orphanet 231178, Orphanet 886, MedGen C1848634, MONDO:0010169, OMIM 276901.
Retinitis pigmentosa (RP). Identifiers: Orphanet 791, MedGen C0035334, MeSH D012174, MONDO:0019200, OMIM 268000. Inheritance: Autosomal dominant, autosomal recessive and X linked inheritance.
Retinal disorder. Also called: Retinopathy; Retinopathies; Retinal Diseases; Retinal disorders. Identifiers: MedGen C0035309, MONDO:0005283, HP:0000488.

Allele frequency attached by ClinVar (database versions not stated): ExAC 0.00029; gnomAD exomes 0.00035; TOPMed 0.00050; gnomAD 0.00052 and 0.00056; ESP Exome Variant Server 0.00054.
gnomAD v4.1: 1,615 of 1,613,914 alleles (0.1%); highest among the groups gnomAD compares: Non-Finnish European, 0.13%; 3 homozygotes.

Submissions 1 to 15 of 36:

PreventionGenetics, part of Exact Sciences
Classification: Pathogenic for USH2A-related condition. Last evaluated: 2026-08-13. Review status: criteria provided, single submitter. Criteria: ACMG Guidelines, 2015. Collection method: clinical testing. Allele origin: germline.
Comment: The USH2A c.10073G>A variant is predicted to result in the amino acid substitution p.Cys3358Tyr. This variant has been reported along with a second pathogenic variant in many individuals with autosomal recessive non-syndromic retinitis pigmentosa or Usher syndrome (Calzetti et al. 2018. PubMed ID: 29953849; Table S4, Colombo et al. 2021. PubMed ID: 33576794; Lynn et al. 2023. PubMed ID: 36672815; Molina-Ramírez et al. 2020. PubMed ID: 32176120; Table S4, Panneman et al. 2023. PubMed ID: 36819107), although it has been associated primarily with non-syndromic retinal degeneration in patients without early onset hearing loss (Leanassi et al. 2015. PubMed ID: 25649381). This variant is reported in 0.076% of alleles in individuals of European (non-Finnish) descent in gnomAD. This variant is interpreted as pathogenic.

Genetics Laboratory, Great Ormond Street Hospital NHS Foundation Trust, North Thames Genomic Laboratory Hub
Classification: Pathogenic for Retinal disorders. Last evaluated: 2026-03-29. Review status: criteria provided, single submitter. Criteria: ACGS Best Practice Guidelines for Variant Classification in Rare Disease 2024 v1.2. Collection method: clinical testing. Allele origin: germline. Affected: yes.
Comment: PS4_moderate, PM3_very-strong

Genetics Laboratory, Great Ormond Street Hospital NHS Foundation Trust, North Thames Genomic Laboratory Hub
Classification: Pathogenic for Monogenic hearing loss. Last evaluated: 2026-03-29. Review status: criteria provided, single submitter. Criteria: ACGS Best Practice Guidelines for Variant Classification in Rare Disease 2024 v1.2. Collection method: clinical testing. Allele origin: germline. Affected: yes.
Comment: the same text as in the submission from Genetics Laboratory, Great Ormond Street Hospital NHS Foundation Trust, North Thames Genomic Laboratory Hub above.

Labcorp Genetics (formerly Invitae), Labcorp
Classification: Pathogenic. Last evaluated: 2026-02-04. Review status: criteria provided, single submitter. Criteria: Invitae Variant Classification Sherloc (09022015). Collection method: clinical testing. Allele origin: germline.
Comment: This sequence change replaces cysteine, which is neutral and slightly polar, with tyrosine, which is neutral and polar, at codon 3358 of the USH2A protein (p.Cys3358Tyr). This variant is present in population databases (rs148660051, gnomAD 0.07%). This missense change has been observed in individual(s) with Usher syndrome or retinal disease (PMID: 22004887, 22135276, 25472526, 28559085). In at least one individual the data is consistent with being in trans (on the opposite chromosome) from a pathogenic variant. ClinVar contains an entry for this variant (Variation ID: 197932). Invitae Evidence Modeling of protein sequence and biophysical properties (such as structural, functional, and spatial information, amino acid conservation, physicochemical variation, residue mobility, and thermodynamic stability) indicates that this missense variant is expected to disrupt USH2A protein function with a positive predictive value of 95%. For these reasons, this variant has been classified as Pathogenic.

Natera, Inc.
Classification: Pathogenic for Usher syndrome type 2A. Last evaluated: 2025-08-05. Review status: criteria provided, single submitter. Criteria: Natera Variant Classification Schema (03/2026). Collection method: clinical testing. Allele origin: germline.
Comment: The c.10073G>A variant in USH2A is a missense variant predicted to cause substitution of cysteine to tyrosine at amino acid 3358. This variant is rare in the general population with a frequency below the threshold expected for the associated phenotype(s). This variant has been observed in one or more individuals affected with the associated recessive disease, as either homozygous or compound heterozygous with a second variant (PMID: 29953849). Computational prediction algorithms indicate this variant is likely to affect gene or protein function. Given the available evidence, this variant is classified as Pathogenic.

3billion
Classification: Likely pathogenic for Retinitis pigmentosa 39. Last evaluated: 2025-05-08. Review status: criteria provided, single submitter. Criteria: ACMG Guidelines, 2015. Collection method: clinical testing. Allele origin: germline. Affected: yes.
Comment: The variant is observed at an extremely low frequency in the gnomAD v4.1.0 dataset (total allele frequency: 0.100%). Predicted Consequence/Location: Missense variant. The majority of the known disease-causing variants of this gene are variants expected to result in premature termination of the protein. In silico tool predictions suggest damaging effect of the variant on gene or gene product [3Cnet: 0.95 (> 0.75, sensitivity 0.96 and precision 0.92)]. The same nucleotide change resulting in the same amino acid change has been previously reported as pathogenic/likely pathogenic with strong evidence (ClinVar ID: VCV000197932 /PMID: 20507924 /3billion dataset). A different missense change at the same codon (p.Cys3358Ser) has been reported to be associated with USH2A-related disorder (ClinVar ID: VCV002920650). Therefore, this variant is classified as Likely pathogenic according to the recommendation of ACMG/AMP guideline.

Revvity Omics, Revvity
Classification: Pathogenic. Last evaluated: 2025-03-05. Review status: criteria provided, single submitter. Criteria: ACMG Guidelines, 2015. Collection method: clinical testing. Allele origin: germline.

Bioscientia Institut fuer Medizinische Diagnostik GmbH, Sonic Healthcare
Classification: Pathogenic for Usher syndrome type 2A. Last evaluated: 2025-02-12. Review status: criteria provided, single submitter. Criteria: ACMG Guidelines, 2015. Collection method: clinical testing. Allele origin: germline. Affected: yes.

North West Genomic Laboratory Hub, Manchester University NHS Foundation Trust
Classification: Pathogenic for Retinal disorders. Last evaluated: 2025-02-07. Review status: criteria provided, single submitter. Criteria: ACGS Best Practice Guidelines for Variant Classification in Rare Disease 2020. Collection method: clinical testing. Allele origin: germline. Affected: yes.
Comment: PM3_VStr PM2_Mod

Blueprint Genetics
Classification: Pathogenic for USH2A-related disorders. Last evaluated: 2024-11-06. Review status: criteria provided, single submitter. Criteria: ACMG Guidelines, 2015. Collection method: clinical testing. Allele origin: germline. Affected: yes. Observed: 5 variant alleles.

GeneDx
Classification: Pathogenic. Last evaluated: 2024-10-28. Review status: criteria provided, single submitter. Criteria: GeneDx Variant Classification Process June 2021. Collection method: clinical testing. Allele origin: germline. Affected: yes.
Comment: In silico analysis supports that this missense variant has a deleterious effect on protein structure/function; This variant is associated with the following publications: (PMID: 28559085, 32531858, 34758253, 22334370, 25472526, 22004887, 20507924, 25649381, 22135276, 21151602, 25999674, 25097241, 26667666, 29953849, 31456290, 31980526, 32176120, 32581362, 31589614, 33576794, 33258288, 33737949, 32037395, 32326409, 36011334, 35266249, 38219857, 37217489, 36672815, 34906470, 31964843, 36819107, 33749171, 36646238, 38351866, 36909829)

Fulgent Genetics
Classification: Likely pathogenic for Usher syndrome type 2A; Retinitis pigmentosa 39. Last evaluated: 2024-06-04. Review status: criteria provided, single submitter. Criteria: ACMG Guidelines, 2015. Collection method: clinical testing. Allele origin: germline.

Baylor Genetics
Classification: Pathogenic for Retinitis pigmentosa 39. Last evaluated: 2024-03-29. Review status: criteria provided, single submitter. Criteria: ACMG Guidelines, 2015. Collection method: clinical testing. Allele origin: unknown.

Genome-Nilou Lab
Classification: Likely pathogenic for Retinitis pigmentosa 39. Last evaluated: 2023-11-04. Review status: criteria provided, single submitter. Criteria: ACMG Guidelines, 2015. Collection method: clinical testing. Allele origin: germline. Affected: no.

Genome-Nilou Lab
Classification: Likely pathogenic for Usher syndrome type 2A. Last evaluated: 2023-11-04. Review status: criteria provided, single submitter. Criteria: ACMG Guidelines, 2015. Collection method: clinical testing. Allele origin: germline. Affected: no.

NM_206933.4(USH2A):c.10073G>A (p.Cys3358Tyr)

Gene: USH2A (usherin; minus strand). Cytogenetic location: 1q41.
Variant type: single nucleotide variant.
Coding change: c.10073G>A on transcript NM_206933.4 (MANE Select); coding-DNA position 10073, G replaced by A.
Protein change: p.Cys3358Tyr; replaces cysteine 3358 with tyrosine.
Molecular consequence: missense variant.
Genome position (GRCh38, 1-based): chr1:215,790,168, C>T on the plus strand (G>A on the coding strand, the complement: USH2A is on the minus strand). VCF-style: chr1-215790168-C-T. GRCh37 (hg19) VCF-style: chr1-215963510-C-T.
Other names: NM_206933.2(USH2A):c.10073G>A(p.Cys3358Tyr); NP_996816.3:p.(Cys3358Tyr); c.10073G>A (NM_206933.3); short protein forms C3358Y.
Identifiers: ClinVar variation 197932 (VCV000197932.100), dbSNP rs148660051, ClinGen allele CA275315.
Genomic context (GRCh38, chr1:215,790,168, plus strand): 5'-GGATTATATCCAACTCCATTACAGCATTTCTGGCTCTTTGGAATAAGTTCAGTCTCACAG[C>T]ATTTTACTGGCACCGGGTCATTCTTTTTAATATGTGCTTTAGACTCTCCACTGGAAGCTG-3'
Protein context (NP_996816.3, residues 3348-3368): IKKNDPVPVK[Cys3358Tyr]CETELIPKSQ